The following is an entry in ClinVar:

ClinVar aggregate classification (germline): Likely benign (1 of 4 stars; one submission).

Allele frequency attached by ClinVar (database versions not stated): 1000 Genomes Project 30x 0.00016; 1000 Genomes Project 0.00020; ESP Exome Variant Server 0.00054; gnomAD 0.00057; gnomAD exomes 0.00086; ExAC 0.00088; TOPMed 0.00089.
gnomAD v4.1: 1,366 of 1,609,608 alleles (0.085%); highest among the groups gnomAD compares: Middle Eastern, 0.13%; 3 homozygotes.

Submission:

CeGaT Center for Human Genetics Tuebingen
Classification: Likely benign. Last evaluated: 2023-04-01. Review status: criteria provided, single submitter. Criteria: CeGaT Center For Human Genetics Tuebingen Variant Classification Criteria Version 2. Collection method: clinical testing. Allele origin: germline. Affected: yes. Observed: 1 variant allele.
Comment: SNX33: BP4, BP7

NM_153271.2(SNX33):c.33T>C (p.Phe11=)

Gene: SNX33 (sorting nexin 33; plus strand). Cytogenetic location: 15q24.2.
Variant type: single nucleotide variant.
Coding change: c.33T>C on transcript NM_153271.2 (MANE Select); coding-DNA position 33, T replaced by C.
Protein change: p.Phe11=; no amino-acid change (phenylalanine 11 retained).
Molecular consequence: synonymous variant.
Genome position (GRCh38, 1-based): chr15:75,649,135, T>C. VCF-style: chr15-75649135-T-C. GRCh37 (hg19) VCF-style: chr15-75941476-T-C.
Other names: c.33T>C, p.Phe11= (NM_001318146.1).
Identifiers: ClinVar variation 2645567 (VCV002645567.24), dbSNP rs140797653, ClinGen allele CA7669002.